The following is an entry in ClinVar:

ClinVar aggregate classification (germline): Uncertain significance. Review status: criteria provided, multiple submitters, no conflicts (2 of 4 stars). 2 submissions from 2 submitters: Uncertain significance (2). Last evaluated 2025-08-25.

Conditions:
Hereditary cancer-predisposing syndrome. Also called: Tumor predisposition; Hereditary Cancer Syndrome; Hereditary neoplastic syndrome; Neoplastic Syndromes, Hereditary. Identifiers: Orphanet 140162, MedGen C0027672, MeSH D009386, MONDO:0015356.

gnomAD v4.1: 3 of 1,613,984 alleles (0.00019%); highest among the groups gnomAD compares: Non-Finnish European, 0.00025%; no homozygotes.

Submissions (2):

Color Diagnostics, LLC DBA Color Health
Classification: Uncertain significance for Hereditary cancer-predisposing syndrome. Last evaluated: 2025-08-25. Review status: criteria provided, single submitter. Criteria: ACMG Guidelines, 2015. Collection method: clinical testing. Allele origin: germline.
Comment: This missense variant replaces asparagine with serine at codon 389 of the APC protein. Computational prediction suggests that this variant may not impact protein structure and function. To our knowledge, functional studies have not been reported for this variant. This variant has not been reported in individuals affected with APC-related disorders in the literature. This variant has not been identified in the general population by the Genome Aggregation Database (gnomAD). The available evidence is insufficient to determine the role of this variant in disease conclusively. Therefore, this variant is classified as a Variant of Uncertain Significance.

Ambry Genetics
Classification: Uncertain significance for Hereditary cancer-predisposing syndrome. Last evaluated: 2024-06-20. Review status: criteria provided, single submitter. Criteria: Ambry Variant Classification Scheme 2023. Collection method: clinical testing. Allele origin: germline.
Comment: The p.N389S variant (also known as c.1166A>G), located in coding exon 9 of the APC gene, results from an A to G substitution at nucleotide position 1166. The asparagine at codon 389 is replaced by serine, an amino acid with highly similar properties. This amino acid position is conserved. In addition, in silico predictors for this gene do not accurately predict pathogenicity. Based on the available evidence, the clinical significance of this variant remains unclear.

NM_000038.6(APC):c.1166A>G (p.Asn389Ser)

Gene: APC (APC regulator of Wnt signaling pathway; plus strand). Cytogenetic location: 5q22.2.
Variant type: single nucleotide variant.
Coding change: c.1166A>G on transcript NM_000038.6 (MANE Select); coding-DNA position 1166, A replaced by G.
Protein change: p.Asn389Ser; replaces asparagine 389 with serine.
Molecular consequence: missense variant. On other transcripts: intron variant (15), non-coding transcript variant (2).
Genome position (GRCh38, 1-based): chr5:112,819,198, A>G. VCF-style: chr5-112819198-A-G. GRCh37 (hg19) VCF-style: chr5-112154895-A-G.
Other names: c.1196A>G, p.Asn399Ser (NM_001354897.2, NM_001407446.1); c.1091A>G, p.Asn364Ser (NM_001354898.2, NM_001407451.1); c.1082A>G, p.Asn361Ser (NM_001354899.2, NM_001407452.1); c.989A>G, p.Asn330Ser (NM_001354900.2, NM_001354901.2, NM_001407453.1); c.317A>G, p.Asn106Ser (NM_001354906.2, NM_001407470.1); c.1112A>G, p.Asn371Ser (NM_001127511.3); c.1166A>G, p.Asn389Ser (NM_001354895.2, NM_001127510.3, NM_001354896.2 and 4 more transcripts); c.934-71A>G (NM_001407457.1, NM_001407458.1, NM_001407455.1 and 5 more transcripts); and 5 more; short protein forms N399S, N106S, N361S, N371S, N330S, N364S, N389S.
Identifiers: ClinVar variation 3305952 (VCV003305952.2).